The following is an entry in ClinVar:

ClinVar aggregate classification (germline): Uncertain significance (1 of 4 stars; one submission).

Conditions:
Kleefstra syndrome 1 (KLEFS1). Identifiers: Orphanet 261494, MedGen C0795833, MONDO:0027407, OMIM 610253.

Submission:

Labcorp Genetics (formerly Invitae), Labcorp
Classification: Uncertain significance for Kleefstra syndrome 1. Last evaluated: 2022-01-20. Review status: criteria provided, single submitter. Criteria: Invitae Variant Classification Sherloc (09022015). Collection method: clinical testing. Allele origin: germline.
Comment: This sequence change replaces aspartic acid, which is acidic and polar, with glycine, which is neutral and non-polar, at codon 1248 of the EHMT1 protein (p.Asp1248Gly). In summary, the available evidence is currently insufficient to determine the role of this variant in disease. Therefore, it has been classified as a Variant of Uncertain Significance. Algorithms developed to predict the effect of missense changes on protein structure and function are either unavailable or do not agree on the potential impact of this missense change (SIFT: "Deleterious"; PolyPhen-2: "Possibly Damaging"; Align-GVGD: "Class C15"). This variant has not been reported in the literature in individuals affected with EHMT1-related conditions. This variant is not present in population databases (gnomAD no frequency).

NM_024757.5(EHMT1):c.3743A>G (p.Asp1248Gly)

Gene: EHMT1 (euchromatic histone lysine methyltransferase 1; plus strand). Cytogenetic location: 9q34.3.
Variant type: single nucleotide variant.
Coding change: c.3743A>G on transcript NM_024757.5 (MANE Select); coding-DNA position 3743, A replaced by G.
Protein change: p.Asp1248Gly; replaces aspartic acid 1248 with glycine.
Molecular consequence: missense variant.
Genome position (GRCh38, 1-based): chr9:137,834,799, A>G. VCF-style: chr9-137834799-A-G. GRCh37 (hg19) VCF-style: chr9-140729251-A-G.
Other names: c.3722A>G, p.Asp1241Gly (NM_001354263.2); short protein forms D1248G, D1241G.
Identifiers: ClinVar variation 2088363 (VCV002088363.4), dbSNP rs867135171, ClinGen allele CA201814582.